The following is an entry in ClinVar:

NM_005876.5(SPEG):c.5533G>T (p.Ala1845Ser)

Gene: SPEG (striated muscle enriched protein kinase; plus strand). Cytogenetic location: 2q35.
Variant type: single nucleotide variant.
Coding change: c.5533G>T on transcript NM_005876.5 (MANE Select); coding-DNA position 5533, G replaced by T.
Protein change: p.Ala1845Ser; replaces alanine 1845 with serine.
Molecular consequence: missense variant.
Genome position (GRCh38, 1-based): chr2:219,481,648, G>T. VCF-style: chr2-219481648-G-T. GRCh37 (hg19) VCF-style: chr2-220346370-G-T.
Other names: short protein forms A1845S.
Identifiers: ClinVar variation 4734203 (VCV004734203.1).
Genomic context (GRCh38, chr2:219,481,648, plus strand): 5'-TCACTGATGACTGAACGATAAATCCCTTCTTAATCCTCATTCATTCACAGGAGACCTACC[G>T]CAGAAGAGACCCTAGAACATCCTTGGTTCAAAGTGAGTCTAGTCTGCAAAGTGGTGGCAC-3'
Protein context (NP_005867.3, residues 1835-1855): VLVQDRLRPT[Ala1845Ser]EETLEHPWFK

ClinVar aggregate classification (germline): Uncertain significance (1 of 4 stars; one submission).

gnomAD v4.1: 1 of 1,614,070 alleles (0.000062%); highest among the groups gnomAD compares: South Asian, 0.0011%; no homozygotes.

Submission:

Labcorp Genetics (formerly Invitae), Labcorp
Classification: Uncertain significance. Last evaluated: 2025-12-26. Review status: criteria provided, single submitter. Criteria: Invitae Variant Classification Sherloc (09022015). Collection method: clinical testing. Allele origin: germline.
Comment: This sequence change replaces alanine, which is neutral and non-polar, with serine, which is neutral and polar, at codon 1845 of the SPEG protein (p.Ala1845Ser). This variant is not present in population databases (gnomAD no frequency). This variant has not been reported in the literature in individuals affected with SPEG-related conditions. An algorithm developed to predict the effect of missense changes on protein structure and function (PolyPhen-2) suggests that this variant is likely to be disruptive. In summary, the available evidence is currently insufficient to determine the role of this variant in disease. Therefore, it has been classified as a Variant of Uncertain Significance.